The following is an entry in ClinVar:

NM_000361.3(THBD):c.255C>T (p.Arg85=)

Gene: THBD (thrombomodulin; minus strand). Cytogenetic location: 20p11.21.
Variant type: single nucleotide variant.
Coding change: c.255C>T on transcript NM_000361.3 (MANE Select); coding-DNA position 255, C replaced by T.
Protein change: p.Arg85=; no amino-acid change (arginine 85 retained).
Molecular consequence: synonymous variant.
Genome position (GRCh38, 1-based): chr20:23,049,250, G>A on the plus strand (C>T on the coding strand, the complement: THBD is on the minus strand). VCF-style: chr20-23049250-G-A. GRCh37 (hg19) VCF-style: chr20-23029887-G-A.
Identifiers: ClinVar variation 2873544 (VCV002873544.3), dbSNP rs755082247, ClinGen allele CA9787762.

ClinVar aggregate classification (germline): Uncertain significance (1 of 4 stars; one submission).

Allele frequency attached by ClinVar (database versions not stated): gnomAD exomes below 0.00001; TOPMed below 0.00001; gnomAD 0.00001.

Submission:

Labcorp Genetics (formerly Invitae), Labcorp
Classification: Uncertain significance. Last evaluated: 2024-01-07. Review status: criteria provided, single submitter. Criteria: Invitae Variant Classification Sherloc (09022015). Collection method: clinical testing. Allele origin: germline.
Comment: This sequence change affects codon 85 of the THBD mRNA. It is a 'silent' change, meaning that it does not change the encoded amino acid sequence of the THBD protein. This variant is present in population databases (rs755082247, gnomAD 0.005%). This variant has not been reported in the literature in individuals affected with THBD-related conditions. In summary, the available evidence is currently insufficient to determine the role of this variant in disease. Therefore, it has been classified as a Variant of Uncertain Significance.